The following is an entry in ClinVar:

NM_006662.3(SRCAP):c.9550G>A (p.Asp3184Asn)

Gene: SRCAP (Snf2 related CREBBP activator protein; plus strand). Cytogenetic location: 16p11.2.
Variant type: single nucleotide variant.
Coding change: c.9550G>A on transcript NM_006662.3 (MANE Select); coding-DNA position 9550, G replaced by A.
Protein change: p.Asp3184Asn; replaces aspartic acid 3184 with asparagine.
Molecular consequence: missense variant.
Genome position (GRCh38, 1-based): chr16:30,739,590, G>A. VCF-style: chr16-30739590-G-A. GRCh37 (hg19) VCF-style: chr16-30750911-G-A.
Other names: short protein forms D3184N.
Identifiers: ClinVar variation 4775427 (VCV004775427.1).

ClinVar aggregate classification (germline): Uncertain significance (1 of 4 stars; one submission).

gnomAD v4.1: 10 of 1,602,408 alleles (0.00062%); highest among the groups gnomAD compares: African/African-American, 0.0067%; no homozygotes.

Submission:

Labcorp Genetics (formerly Invitae), Labcorp
Classification: Uncertain significance. Last evaluated: 2025-03-31. Review status: criteria provided, single submitter. Criteria: Invitae Variant Classification Sherloc (09022015). Collection method: clinical testing. Allele origin: germline.
Comment: This sequence change replaces aspartic acid, which is acidic and polar, with asparagine, which is neutral and polar, at codon 3184 of the SRCAP protein (p.Asp3184Asn). This variant is not present in population databases (gnomAD no frequency). This variant has not been reported in the literature in individuals affected with SRCAP-related conditions. Invitae Evidence Modeling of protein sequence and biophysical properties (such as structural, functional, and spatial information, amino acid conservation, physicochemical variation, residue mobility, and thermodynamic stability) indicates that this missense variant is expected to disrupt SRCAP protein function with a positive predictive value of 80%. In summary, the available evidence is currently insufficient to determine the role of this variant in disease. Therefore, it has been classified as a Variant of Uncertain Significance.